The following is an entry in ClinVar:

ClinVar aggregate classification (germline): Uncertain significance (1 of 4 stars; one submission).

Conditions:
Hereditary cancer-predisposing syndrome. Also called: Neoplastic Syndromes, Hereditary; Tumor predisposition; Hereditary neoplastic syndrome; Hereditary Cancer Syndrome. Identifiers: Orphanet 140162, MedGen C0027672, MeSH D009386, MONDO:0015356.

Submission:

Ambry Genetics
Classification: Uncertain significance for Hereditary cancer-predisposing syndrome. Last evaluated: 2023-11-22. Review status: criteria provided, single submitter. Criteria: Ambry Variant Classification Scheme 2023. Collection method: clinical testing. Allele origin: germline.
Comment: The p.G49A variant (also known as c.146G>C), located in coding exon 2 of the CDC73 gene, results from a G to C substitution at nucleotide position 146. The glycine at codon 49 is replaced by alanine, an amino acid with similar properties. This amino acid position is conserved. In addition, the in silico prediction for this alteration is inconclusive. Since supporting evidence is limited at this time, the clinical significance of this alteration remains unclear.

NM_024529.5(CDC73):c.146G>C (p.Gly49Ala)

Gene: CDC73 (cell division cycle 73; plus strand). Cytogenetic location: 1q31.2.
Variant type: single nucleotide variant.
Coding change: c.146G>C on transcript NM_024529.5 (MANE Select); coding-DNA position 146, G replaced by C.
Protein change: p.Gly49Ala; replaces glycine 49 with alanine.
Molecular consequence: missense variant.
Genome position (GRCh38, 1-based): chr1:193,125,126, G>C. VCF-style: chr1-193125126-G-C. GRCh37 (hg19) VCF-style: chr1-193094256-G-C.
Other names: short protein forms G49A.
Identifiers: ClinVar variation 3227861 (VCV003227861.1), dbSNP rs2103113902, ClinGen allele CA343973059.